The following is an entry in ClinVar:

NM_152296.5(ATP1A3):c.1454C>T (p.Thr485Ile)

Gene: ATP1A3 (ATPase Na+/K+ transporting subunit alpha 3; minus strand). Cytogenetic location: 19q13.2.
Variant type: single nucleotide variant.
Coding change: c.1454C>T on transcript NM_152296.5 (MANE Select); coding-DNA position 1454, C replaced by T.
Protein change: p.Thr485Ile; replaces threonine 485 with isoleucine.
Molecular consequence: missense variant.
Genome position (GRCh38, 1-based): chr19:41,978,782, G>A on the plus strand (C>T on the coding strand, the complement: ATP1A3 is on the minus strand). VCF-style: chr19-41978782-G-A. GRCh37 (hg19) VCF-style: chr19-42482934-G-A.
Other names: c.1487C>T, p.Thr496Ile (NM_001256213.2); c.1493C>T, p.Thr498Ile (NM_001256214.2); short protein forms T498I, T485I, T496I.
Identifiers: ClinVar variation 952333 (VCV000952333.9), dbSNP rs1555862366, ClinGen allele CA406047523.
Genomic context (GRCh38, chr19:41,978,782, plus strand): 5'-AGGATGCGCTCGGGGGCACCCTTCATCACCAGCAGGTATCGGTTGTCGTTGGGGTCCTCG[G>A]TCTCATGGATGGAGAGCTGGGGACCGATCAGAGGGTGGCGTGCCTGAGCCACGCAGACAC-3'
Protein context (NP_689509.1, residues 475-495): TNKYQLSIHE[Thr485Ile]EDPNDNRYLL

ClinVar aggregate classification (germline): Uncertain significance (1 of 4 stars; one submission).

Conditions:
Dystonia 12 (DYT12). Also called: DYT-ATP1A3; Rapid-Onset Dystonia-Parkinsonism (RDP). Identifiers: Orphanet 71517, MedGen C1868681, MONDO:0007496, OMIM 128235.

Submission:

Labcorp Genetics (formerly Invitae), Labcorp
Classification: Uncertain significance for Dystonia 12. Last evaluated: 2024-07-02. Review status: criteria provided, single submitter. Criteria: Invitae Variant Classification Sherloc (09022015). Collection method: clinical testing. Allele origin: germline.
Comment: This sequence change replaces threonine, which is neutral and polar, with isoleucine, which is neutral and non-polar, at codon 485 of the ATP1A3 protein (p.Thr485Ile). This variant is not present in population databases (gnomAD no frequency). This variant has not been reported in the literature in individuals affected with ATP1A3-related conditions. ClinVar contains an entry for this variant (Variation ID: 952333). Advanced modeling of protein sequence and biophysical properties (such as structural, functional, and spatial information, amino acid conservation, physicochemical variation, residue mobility, and thermodynamic stability) has been performed at Invitae for this missense variant, however the output from this modeling did not meet the statistical confidence thresholds required to predict the impact of this variant on ATP1A3 protein function. In summary, the available evidence is currently insufficient to determine the role of this variant in disease. Therefore, it has been classified as a Variant of Uncertain Significance.